The following is an entry in ClinVar:

NM_033004.4(NLRP1):c.4326T>A (p.Asp1442Glu)

Gene: NLRP1 (NLR family pyrin domain containing 1; minus strand). Cytogenetic location: 17p13.2.
Variant type: single nucleotide variant.
Coding change: c.4326T>A on transcript NM_033004.4 (MANE Select); coding-DNA position 4326, T replaced by A.
Protein change: p.Asp1442Glu; replaces aspartic acid 1442 with glutamic acid.
Molecular consequence: missense variant. On other transcripts: intron variant (1).
Genome position (GRCh38, 1-based): chr17:5,514,850, A>T on the plus strand (T>A on the coding strand, the complement: NLRP1 is on the minus strand). VCF-style: chr17-5514850-A-T. GRCh37 (hg19) VCF-style: chr17-5418170-A-T.
Other names: c.4194T>A, p.Asp1398Glu (NM_014922.5); c.4236T>A, p.Asp1412Glu (NM_033006.4); c.4104T>A, p.Asp1368Glu (NM_033007.4); c.4069+2896T>A (NM_001033053.3); short protein forms D1412E, D1442E, D1398E, D1368E.
Identifiers: ClinVar variation 1471550 (VCV001471550.6), dbSNP rs1172676804, ClinGen allele CA397386541.

ClinVar aggregate classification (germline): Uncertain significance (1 of 4 stars; one submission).

Submission:

Labcorp Genetics (formerly Invitae), Labcorp
Classification: Uncertain significance. Last evaluated: 2022-08-23. Review status: criteria provided, single submitter. Criteria: Invitae Variant Classification Sherloc (09022015). Collection method: clinical testing. Allele origin: germline.
Comment: This sequence change replaces aspartic acid, which is acidic and polar, with glutamic acid, which is acidic and polar, at codon 1442 of the NLRP1 protein (p.Asp1442Glu). In summary, the available evidence is currently insufficient to determine the role of this variant in disease. Therefore, it has been classified as a Variant of Uncertain Significance. Algorithms developed to predict the effect of missense changes on protein structure and function are either unavailable or do not agree on the potential impact of this missense change (SIFT: "Deleterious"; PolyPhen-2: "Probably Damaging"; Align-GVGD: "Class C0"). ClinVar contains an entry for this variant (Variation ID: 1471550). This variant has not been reported in the literature in individuals affected with NLRP1-related conditions. This variant is not present in population databases (gnomAD no frequency).